The following is an entry in ClinVar:

NM_058216.3(RAD51C):c.133G>A (p.Glu45Lys)

Gene: RAD51C (RAD51 paralog C; plus strand). Cytogenetic location: 17q22.
Variant type: single nucleotide variant.
Coding change: c.133G>A on transcript NM_058216.3 (MANE Select); coding-DNA position 133, G replaced by A.
Protein change: p.Glu45Lys; replaces glutamic acid 45 with lysine.
Molecular consequence: missense variant. On other transcripts: non-coding transcript variant (1).
Genome position (GRCh38, 1-based): chr17:58,692,776, G>A. VCF-style: chr17-58692776-G-A. GRCh37 (hg19) VCF-style: chr17-56770137-G-A.
Other names: c.133G>A, p.Glu45Lys (NM_002876.4, NM_058217.1); short protein forms E45K.
Identifiers: ClinVar variation 1770324 (VCV001770324.11), dbSNP rs1598449660, ClinGen allele CA400337728.

ClinVar aggregate classification (germline): Conflicting classifications of pathogenicity. Review status: criteria provided, conflicting classifications (1 of 4 stars). 3 submissions from 3 submitters: Uncertain significance (2); Benign (1). Last evaluated 2025-10-08.

Conditions:
Hereditary cancer-predisposing syndrome. Also called: Tumor predisposition; Neoplastic Syndromes, Hereditary; Hereditary Cancer Syndrome; Hereditary neoplastic syndrome. Identifiers: Orphanet 140162, MedGen C0027672, MeSH D009386, MONDO:0015356.
Fanconi anemia complementation group O. Also called: RAD51C-Related Fanconi Anemia. Identifiers: Orphanet 84, MedGen C3150653, MONDO:0013248, OMIM 613390.
Breast-ovarian cancer, familial, susceptibility to, 3. Also called: RAD51C-Related Breast/Ovarian Cancer. Identifiers: Orphanet 145, MedGen C3150659, MONDO:0013253, OMIM 613399.

Submissions (3):

Ambry Genetics
Classification: Benign for Hereditary cancer-predisposing syndrome. Last evaluated: 2025-10-08. Review status: criteria provided, single submitter. Criteria: Ambry Variant Classification Scheme 2023. Collection method: clinical testing. Allele origin: germline.

Labcorp Genetics (formerly Invitae), Labcorp
Classification: Uncertain significance for Fanconi anemia complementation group O. Last evaluated: 2024-10-10. Review status: criteria provided, single submitter. Criteria: Invitae Variant Classification Sherloc (09022015). Collection method: clinical testing. Allele origin: germline.
Comment: This sequence change replaces glutamic acid, which is acidic and polar, with lysine, which is basic and polar, at codon 45 of the RAD51C protein (p.Glu45Lys). This variant is not present in population databases (gnomAD no frequency). This variant has not been reported in the literature in individuals affected with RAD51C-related conditions. ClinVar contains an entry for this variant (Variation ID: 1770324). Invitae Evidence Modeling of protein sequence and biophysical properties (such as structural, functional, and spatial information, amino acid conservation, physicochemical variation, residue mobility, and thermodynamic stability) indicates that this missense variant is not expected to disrupt RAD51C protein function with a negative predictive value of 80%. In summary, the available evidence is currently insufficient to determine the role of this variant in disease. Therefore, it has been classified as a Variant of Uncertain Significance.

Baylor Genetics
Classification: Uncertain significance for Breast-ovarian cancer, familial, susceptibility to, 3. Last evaluated: 2024-01-19. Review status: criteria provided, single submitter. Criteria: ACMG Guidelines, 2015. Collection method: clinical testing. Allele origin: unknown.